The following is an entry in ClinVar:

NM_000404.4(GLB1):c.326G>C (p.Arg109Pro)

Gene: GLB1 (galactosidase beta 1; minus strand). Cytogenetic location: 3p22.3.
Variant type: single nucleotide variant.
Coding change: c.326G>C on transcript NM_000404.4 (MANE Select); coding-DNA position 326, G replaced by C.
Protein change: p.Arg109Pro; replaces arginine 109 with proline.
Molecular consequence: missense variant. On other transcripts: intron variant (1).
Genome position (GRCh38, 1-based): chr3:33,068,890, C>G on the plus strand (G>C on the coding strand, the complement: GLB1 is on the minus strand). VCF-style: chr3-33068890-C-G. GRCh37 (hg19) VCF-style: chr3-33110382-C-G.
Other names: p.Arg109Pro; c.236G>C, p.Arg79Pro (NM_001079811.3); c.470G>C, p.Arg157Pro (NM_001317040.2); c.326G>C, p.Arg109Pro (NM_001393580.1); c.246-3333G>C (NM_001135602.3); short protein forms R109P, R157P, R79P.
Identifiers: ClinVar variation 3773739 (VCV003773739.2).

ClinVar aggregate classification (germline): Conflicting classifications of pathogenicity. Review status: criteria provided, conflicting classifications (1 of 4 stars). 2 submissions from 2 submitters: Likely pathogenic (1); Uncertain significance (1). Last evaluated 2025-02-18.

Conditions:
Infantile GM1 gangliosidosis. Also called: Gangliosidosis, Generalized GM1, Type 1; GM1 gangliosidosis type 1; GM1-gangliosidosis, type I; Gangliosidosis, generalized GM1, infantile form; GLB1 deficiency. Identifiers: Orphanet 354, Orphanet 79255, MedGen C0268271, MONDO:0009260, OMIM 230500.
GM1 gangliosidosis type 2. Also called: GM1-GANGLIOSIDOSIS, TYPE II; GANGLIOSIDOSIS, GENERALIZED GM1, JUVENILE TYPE; GANGLIOSIDOSIS, GENERALIZED GM1, TYPE II; Gangliosidosis, Generalized GM1, Type 2; Juvenile GM>1< gangliosidosis. Identifiers: Orphanet 354, Orphanet 79256, MedGen C0268272, MONDO:0009261, OMIM 230600.
GM1 gangliosidosis type 3. Also called: GM1-GANGLIOSIDOSIS, TYPE III; GANGLIOSIDOSIS, GENERALIZED GM1, ADULT TYPE; GANGLIOSIDOSIS, GENERALIZED GM1, CHRONIC TYPE; GANGLIOSIDOSIS, GENERALIZED GM1, TYPE III; Gangliosidosis, Generalized GM1, Type 3; Beta-galactosidase deficiency. Identifiers: Orphanet 79257, MedGen C0268273, MONDO:0009262, OMIM 230650.

gnomAD v4.1: 2 of 1,614,086 alleles (0.00012%); highest among the groups gnomAD compares: South Asian, 0.0022%; no homozygotes.

Submissions (2):

Foundation for Research in Genetics and Endocrinology, FRIGE's Institute of Human Genetics
Classification: Uncertain significance for Infantile GM1 gangliosidosis. Last evaluated: 2025-02-18. Review status: criteria provided, single submitter. Criteria: ACMG Guidelines, 2015. Collection method: clinical testing. Allele origin: germline. Inheritance: Autosomal recessive inheritance. Affected: yes. Observed: 1 homozygote.
Comment: A homozygous missense variant in exon 3 of the GLB1 gene that results in the amino acid substitution of Proline for Arginine at codon 109 was detected. The observed variant c.326G>C has not been reported in the 1000 genomes and has a MAF of 0.0004% in the gnomAD databases. The in-silico prediction of the variant is damaging by MutationTaster2, FATHMM and DANN. In summary, the variant meets our criteria to be classified as a variant of uncertain significance.

Department of Medical Genetics, All India Institute of Medical Sciences, Bhopal
Classification: Likely pathogenic for Infantile GM1 gangliosidosis; GM1 gangliosidosis type 2; GM1 gangliosidosis type 3. Review status: criteria provided, single submitter. Criteria: ACMG Guidelines, 2015. Collection method: clinical testing. Allele origin: unknown. Inheritance: Autosomal recessive inheritance. Affected: yes. Observed: 1 variant allele, 1 compound heterozygote.
Comment: The GLB1 c.326G>C (p.Arg109Pro) variant has not been reported in the 1000 genomes, gnomAD (v3.1) databases and has a minor allele frequency of 0.00040% in the gnomAD (v2.1). the in-silico predictions of the variant are possibly damaging by PolyPhen-2 and damaging by SIFT. However, there is one submission in ClinVar for same variant from a lab in India, that describes a homozygous individual having similar disease entity (accession VCV003773739.2). Re-annotation of the c.326G>C variant using the Franklin tool with phenotype correlation upgraded it to likely pathogenic (PM2, PP2, PP3, PP4 moderate).